The following is an entry in ClinVar:

ClinVar aggregate classification (germline): Pathogenic (1 of 4 stars; one submission).

Conditions:
Epithelial recurrent erosion dystrophy (ERED). Also called: CORNEAL EROSIONS, RECURRING HEREDITARY. Identifiers: Orphanet 293381, MedGen C1852551, MONDO:0007381, OMIM 122400.

Allele frequency attached by ClinVar (database versions not stated): gnomAD exomes below 0.00001; TOPMed below 0.00001; ExAC 0.00001; gnomAD 0.00001.

Submission:

Centre for Mendelian Genomics, University Medical Centre Ljubljana
Classification: Pathogenic for Epithelial recurrent erosion dystrophy. Last evaluated: 2019-04-03. Review status: criteria provided, single submitter. Criteria: ACMG Guidelines, 2015. Collection method: clinical testing. Allele origin: unknown. Affected: yes.
Comment: This variant was classified as: Pathogenic. The following ACMG criteria were applied in classifying this variant: PVS1,PP4,PM2.

NM_000494.4(COL17A1):c.2062C>T (p.Arg688Ter)

Gene: COL17A1 (collagen type XVII alpha 1 chain; minus strand). Cytogenetic location: 10q25.1.
Variant type: single nucleotide variant.
Coding change: c.2062C>T on transcript NM_000494.4 (MANE Select); coding-DNA position 2062, C replaced by T.
Protein change: p.Arg688Ter; replaces arginine 688 with a stop codon.
Molecular consequence: nonsense.
Genome position (GRCh38, 1-based): chr10:104,050,878, G>A on the plus strand (C>T on the coding strand, the complement: COL17A1 is on the minus strand). VCF-style: chr10-104050878-G-A. GRCh37 (hg19) VCF-style: chr10-105810636-G-A.
Other names: short protein forms R688*.
Identifiers: ClinVar variation 931123 (VCV000931123.3), dbSNP rs768415627, ClinGen allele CA5678719.